The following is an entry in ClinVar:

ClinVar aggregate classification (germline): Pathogenic (1 of 4 stars; one submission).

Conditions:
Spastic paraplegia. Identifiers: MedGen C0037772, HP:0001258.

Submission:

Labcorp Genetics (formerly Invitae), Labcorp
Classification: Pathogenic for Spastic paraplegia. Last evaluated: 2023-11-07. Review status: criteria provided, single submitter. Criteria: Invitae Variant Classification Sherloc (09022015). Collection method: clinical testing. Allele origin: germline.
Comment: This sequence change creates a premature translational stop signal (p.Glu550Argfs*17) in the SACS gene. It is expected to result in an absent or disrupted protein product. Loss-of-function variants in SACS are known to be pathogenic (PMID: 18465152, 20876471). This variant is not present in population databases (gnomAD no frequency). This variant has not been reported in the literature in individuals affected with SACS-related conditions. For these reasons, this variant has been classified as Pathogenic.

Literature cited by the submitters: PubMed 18465152; PubMed 20876471.

NM_014363.6(SACS):c.1647dup (p.Glu550fs)

Gene: SACS (sacsin molecular chaperone; minus strand). Cytogenetic location: 13q12.12.
Variant type: Duplication.
Coding change: c.1647dup on transcript NM_014363.6 (MANE Select); coding-DNA position 1647, one base duplicated (A; older notation c.1647dupA).
Protein change: p.Glu550fs; shifts the reading frame from glutamic acid 550.
Molecular consequence: frameshift variant.
Genome position (GRCh38, 1-based): chr13:23,354,965, T duplicated on the plus strand (A on the coding strand, the reverse complement: SACS is on the minus strand). VCF-style (leftmost placement, unchanged base first): chr13-23354964-C-CT. GRCh37 (hg19) VCF-style: chr13-23929103-C-CT.
Other names: c.1206dup, p.Glu403fs (NM_001278055.2); short protein forms E403fs, E550fs.
Identifiers: ClinVar variation 2694033 (VCV002694033.3), dbSNP rs2542394502, ClinGen allele CA2697551676.